The following is an entry in ClinVar:

ClinVar aggregate classification (germline): Uncertain significance (1 of 4 stars; one submission).

Submission:

Labcorp Genetics (formerly Invitae), Labcorp
Classification: Uncertain significance. Last evaluated: 2022-02-09. Review status: criteria provided, single submitter. Criteria: Invitae Variant Classification Sherloc (09022015). Collection method: clinical testing. Allele origin: germline.
Comment: This sequence change replaces arginine, which is basic and polar, with glycine, which is neutral and non-polar, at codon 336 of the ALPK3 protein (p.Arg336Gly). This variant is not present in population databases (gnomAD no frequency). This variant has not been reported in the literature in individuals affected with ALPK3-related conditions. In summary, the available evidence is currently insufficient to determine the role of this variant in disease. Therefore, it has been classified as a Variant of Uncertain Significance. Algorithms developed to predict the effect of missense changes on protein structure and function are either unavailable or do not agree on the potential impact of this missense change (SIFT: "Deleterious"; PolyPhen-2: "Possibly Damaging"; Align-GVGD: "Class C0").

NM_020778.5(ALPK3):c.400C>G (p.Arg134Gly)

Gene: ALPK3 (alpha kinase 3; plus strand). Cytogenetic location: 15q25.3.
Variant type: single nucleotide variant.
Coding change: c.400C>G on transcript NM_020778.5 (MANE Select); coding-DNA position 400, C replaced by G.
Protein change: p.Arg134Gly; replaces arginine 134 with glycine.
Molecular consequence: missense variant.
Genome position (GRCh38, 1-based): chr15:84,839,075, C>G. VCF-style: chr15-84839075-C-G. GRCh37 (hg19) VCF-style: chr15-85382306-C-G.
Other names: short protein forms R134G.
Identifiers: ClinVar variation 2084702 (VCV002084702.4), dbSNP rs779972206, ClinGen allele CA393371990.
Genomic context (GRCh38, chr15:84,839,075, plus strand): 5'-GATACGGAGCTGGACCGCTACTGTGGCTTGCCAAAATATGAGATCACTCATCAGGGCAAC[C>G]GCCACACACTGCAGCTGTACAGGTGAGGGAGAAGGGCCTGTTTTGCTCTCTCTGCCCTCC-3'
Protein context (NP_065829.4, residues 124-144): PKYEITHQGN[Arg134Gly]HTLQLYRCRE